The following is an entry in ClinVar:

ClinVar aggregate classification (germline): Conflicting classifications of pathogenicity. Review status: criteria provided, conflicting classifications (1 of 4 stars). 2 submissions from 2 submitters: Pathogenic (1); Uncertain significance (1). Last evaluated 2025-05-23.

Submissions (2):

Labcorp Genetics (formerly Invitae), Labcorp
Classification: Pathogenic. Last evaluated: 2025-05-23. Review status: criteria provided, single submitter. Criteria: Invitae Variant Classification Sherloc (09022015). Collection method: clinical testing. Allele origin: germline.
Comment: This sequence change replaces tryptophan, which is neutral and slightly polar, with cysteine, which is neutral and slightly polar, at codon 1538 of the COL4A5 protein (p.Trp1538Cys). This variant is not present in population databases (gnomAD no frequency). This missense change has been observed in individuals with Alport syndrome (PMID: 35020912, 37100867; internal data). ClinVar contains an entry for this variant (Variation ID: 2430664). Invitae Evidence Modeling of protein sequence and biophysical properties (such as structural, functional, and spatial information, amino acid conservation, physicochemical variation, residue mobility, and thermodynamic stability) indicates that this missense variant is expected to disrupt COL4A5 protein function with a positive predictive value of 95%. For these reasons, this variant has been classified as Pathogenic.

GeneDx
Classification: Uncertain significance. Last evaluated: 2022-08-17. Review status: criteria provided, single submitter. Criteria: GeneDx Variant Classification Process June 2021. Collection method: clinical testing. Allele origin: germline. Affected: yes.
Comment: Not observed at significant frequency in large population cohorts (gnomAD); In silico analysis supports that this missense variant has a deleterious effect on protein structure/function; Has not been previously published as pathogenic or benign to our knowledge

Literature cited by the submitters: PubMed 35020912 (cited by Labcorp Genetics (formerly Invitae), Labcorp); PubMed 37100867 (cited by Labcorp Genetics (formerly Invitae), Labcorp).

NM_033380.3(COL4A5):c.4632G>T (p.Trp1544Cys)

Gene: COL4A5 (collagen type IV alpha 5 chain; plus strand). Cytogenetic location: Xq22.3.
Variant type: single nucleotide variant.
Coding change: c.4632G>T on transcript NM_033380.3 (MANE Select); coding-DNA position 4632, G replaced by T.
Protein change: p.Trp1544Cys; replaces tryptophan 1544 with cysteine.
Molecular consequence: missense variant.
Genome position (GRCh38, 1-based): chrX:108,692,851, G>T. VCF-style: chrX-108692851-G-T. GRCh37 (hg19) VCF-style: chrX-107936081-G-T.
Other names: c.4614G>T, p.Trp1538Cys (NM_000495.5); short protein forms W1538C, W1544C.
Identifiers: ClinVar variation 2430664 (VCV002430664.2), dbSNP rs104886294, ClinGen allele CA413855636.